The following is an entry in ClinVar:

ClinVar aggregate classification (germline): Uncertain significance (1 of 4 stars; one submission).

Conditions:
Majeed syndrome (MJDS). Also called: LPIN2-Related Majeed Syndrome; CHRONIC RECURRENT MULTIFOCAL OSTEOMYELITIS 1, WITH CONGENITAL DYSERYTHROPOIETIC ANEMIA, WITH OR WITHOUT NEUTROPHILIC DERMATOSIS. Identifiers: Orphanet 77297, MedGen C1864997, MONDO:0012316, OMIM 609628.

Submission:

Labcorp Genetics (formerly Invitae), Labcorp
Classification: Uncertain significance for Majeed syndrome. Last evaluated: 2018-07-12. Review status: criteria provided, single submitter. Criteria: Invitae Variant Classification Sherloc (09022015). Collection method: clinical testing. Allele origin: germline.
Comment: This variant is not present in population databases (ExAC no frequency). This sequence change replaces proline with serine at codon 508 of the LPIN2 protein (p.Pro508Ser). The proline residue is highly conserved and there is a moderate physicochemical difference between proline and serine. This variant has not been reported in the literature in individuals with LPIN2-related disease. In summary, the available evidence is currently insufficient to determine the role of this variant in disease. Therefore, it has been classified as a Variant of Uncertain Significance. Algorithms developed to predict the effect of missense changes on protein structure and function are either unavailable or do not agree on the potential impact of this missense change (SIFT: "Deleterious"; PolyPhen-2: "Probably Damaging"; Align-GVGD: "Class C0").

NM_001375808.2(LPIN2):c.1522C>T (p.Pro508Ser)

Gene: LPIN2 (lipin 2; minus strand). Cytogenetic location: 18p11.31.
Variant type: single nucleotide variant.
Coding change: c.1522C>T on transcript NM_001375808.2 (MANE Select); coding-DNA position 1522, C replaced by T.
Protein change: p.Pro508Ser; replaces proline 508 with serine.
Molecular consequence: missense variant.
Genome position (GRCh38, 1-based): chr18:2,929,093, G>A on the plus strand (C>T on the coding strand, the complement: LPIN2 is on the minus strand). VCF-style: chr18-2929093-G-A. GRCh37 (hg19) VCF-style: chr18-2929091-G-A.
Other names: c.1522C>T, p.Pro508Ser (NM_001375809.1, NM_014646.2); short protein forms P508S.
Identifiers: ClinVar variation 652405 (VCV000652405.9), dbSNP rs1598528577, ClinGen allele CA401703970.